The following is an entry in ClinVar:

ClinVar aggregate classification (germline): Conflicting classifications of pathogenicity. Review status: criteria provided, conflicting classifications (1 of 4 stars). 5 submissions from 5 submitters: Uncertain significance (4); Likely benign (1). Last evaluated 2025-12-09.

Conditions:
Choanal atresia-athelia-hypothyroidism-delayed puberty-short stature syndrome (BCAHH). Also called: BRANCHIAL ARCH ABNORMALITIES, CHOANAL ATRESIA, ATHELIA, HEARING LOSS, AND HYPOTHYROIDISM SYNDROME. Identifiers: Orphanet 589856, MedGen C5680310, MONDO:0035651, OMIM 620186.
Kabuki syndrome 1 (KABUK1). Also called: KMT2D-Related Kabuki Syndrome. Identifiers: Orphanet 2322, MedGen CN030661, MONDO:0007843, OMIM 147920.
Kabuki syndrome. Also called: NIIKAWA-KUROKI SYNDROME; Kabuki make-up syndrome. Identifiers: Orphanet 2322, MedGen C0796004, MONDO:0016512.
KMT2D-related disorder. Also called: KMT2D-Related Disorders.

Submissions (5):

Labcorp Genetics (formerly Invitae), Labcorp
Classification: Uncertain significance for Kabuki syndrome. Last evaluated: 2025-12-09. Review status: criteria provided, single submitter. Criteria: Invitae Variant Classification Sherloc (09022015). Collection method: clinical testing. Allele origin: germline.
Comment: This variant, c.11843_11860del, results in the deletion of 6 amino acid(s) of the KMT2D protein (p.Leu3948_Gln3953del), but otherwise preserves the integrity of the reading frame. The frequency data for this variant in the population databases is considered unreliable, as metrics indicate poor data quality at this position in the gnomAD database. This variant has been observed in individual(s) with Kabuki syndrome (PMID: 24633898). This variant has been observed in at least one individual who was not affected with KMT2D-related conditions (internal data). ClinVar contains an entry for this variant (Variation ID: 1303203). Experimental studies and prediction algorithms are not available or were not evaluated, and the functional significance of this variant is currently unknown. In summary, the available evidence is currently insufficient to determine the role of this variant in disease. Therefore, it has been classified as a Variant of Uncertain Significance.

PreventionGenetics, part of Exact Sciences
Classification: Uncertain significance for KMT2D-related condition. Last evaluated: 2025-07-31. Review status: criteria provided, single submitter. Criteria: ACMG Guidelines, 2015. Collection method: clinical testing. Allele origin: germline.
Comment: The KMT2D c.11843_11860del18 variant is predicted to result in an in-frame deletion (p.Leu3948_Gln3953del). This variant was reported in one patient with Kabuki syndrome, who inherited this variant from the father, no clinical information was provided for the father (Micale et al. 2014. PubMed ID: 24633898). This variant was also reported in as a pathogenic candidate variant for kidney and genitourinary conditions In a cohort of 7,974 self-reported healthy adults. However, no additional information was provided (search 12:49426627 in Table S4, Rasouly et al. 2019. PubMed ID: 30476936). This variant is reported in 0.017% of alleles in individuals of European (Non-Finnish) descent in gnomAD. Although we suspect that this variant may be benign, at this time, the clinical significance of this variant is uncertain due to the absence of conclusive functional and genetic evidence.

Fulgent Genetics
Classification: Likely benign for Kabuki syndrome 1; Choanal atresia-athelia-hypothyroidism-delayed puberty-short stature syndrome. Last evaluated: 2024-04-10. Review status: criteria provided, single submitter. Criteria: ACMG Guidelines, 2015. Collection method: clinical testing. Allele origin: germline.

CeGaT Center for Human Genetics Tuebingen
Classification: Uncertain significance. Last evaluated: 2023-06-01. Review status: criteria provided, single submitter. Criteria: CeGaT Center For Human Genetics Tuebingen Variant Classification Criteria Version 2. Collection method: clinical testing. Allele origin: germline. Affected: yes. Observed: 1 variant allele.
Comment: KMT2D: PM4

GeneDx
Classification: Uncertain significance. Last evaluated: 2020-11-04. Review status: criteria provided, single submitter. Criteria: GeneDx Variant Classification Process June 2021. Collection method: clinical testing. Allele origin: germline. Affected: yes.
Comment: Reported in one individual with a clinical diagnosis of Kabuki syndrome and inherited from an apparently unaffected parent (Micale et al., 2014). In a subsequent paper, this variant was noted to be likely benign (Cocciadiferro et al., 2018); In silico analysis supports that this variant does not alter protein structure/function; This variant is associated with the following publications: (PMID: 30107592, 24633898)

Literature cited by the submitters: PubMed 24633898 (cited by Labcorp Genetics (formerly Invitae), Labcorp).

NM_003482.4(KMT2D):c.11843_11860del (p.Leu3948_Gln3953del)

Gene: KMT2D (lysine methyltransferase 2D; minus strand). Cytogenetic location: 12q13.12.
Variant type: Deletion.
Coding change: c.11843_11860del on transcript NM_003482.4 (MANE Select); coding-DNA positions 11843 to 11860, 18 bases deleted (TTCAACAGCAGCAACAGC).
Protein change: p.Leu3948_Gln3953del.
Molecular consequence: inframe deletion.
Genome position (GRCh38, 1-based): chr12:49,032,845-49,032,862, GCTGTTGCTGCTGTTGAA deleted on the plus strand (TTCAACAGCAGCAACAGC on the coding strand, the reverse complement: KMT2D is on the minus strand); deleting any 18 consecutive bases within chr12:49,032,845-49,032,875 gives the same sequence; the c. name uses the placement nearest the transcript's 3' end. VCF-style (leftmost placement, unchanged base first): chr12-49032844-TGCTGTTGCTGCTGTTGAA-T. GRCh37 (hg19) VCF-style: chr12-49426627-TGCTGTTGCTGCTGTTGAA-T.
Other names: c.11843_11860del18 (NM_003482.3).
Identifiers: ClinVar variation 1303203 (VCV001303203.33), dbSNP rs762810380, ClinGen allele CA6546285.
Genomic context (GRCh38, chr12:49,032,844, plus strand): 5'-TGCTGCTGTTGCTGCTGCTGTTGAAACTGCTGCTGTTGTTGTTGCTGTTGCTGTTGTAGC[TGCTGTTGCTGCTGTTGAA>T]GCTGTTGCTGCTGCTGTTGTTGAAGCTGCTGCTGCTGTTGCTGCTGTTGAAGCTGTTGCT-3'